The following is an entry in ClinVar:

NM_002860.4(ALDH18A1):c.2120C>T (p.Ala707Val)

Gene: ALDH18A1 (aldehyde dehydrogenase 18 family member A1; minus strand). Cytogenetic location: 10q24.1.
Variant type: single nucleotide variant.
Coding change: c.2120C>T on transcript NM_002860.4 (MANE Select); coding-DNA position 2120, C replaced by T.
Protein change: p.Ala707Val; replaces alanine 707 with valine.
Molecular consequence: missense variant.
Genome position (GRCh38, 1-based): chr10:95,610,283, G>A on the plus strand (C>T on the coding strand, the complement: ALDH18A1 is on the minus strand). VCF-style: chr10-95610283-G-A. GRCh37 (hg19) VCF-style: chr10-97370040-G-A.
Other names: c.2114C>T, p.Ala705Val (NM_001017423.2, NM_001323415.2); c.1787C>T, p.Ala596Val (NM_001323412.2, NM_001323416.2); c.2120C>T, p.Ala707Val (NM_001323413.2, NM_001323414.2); c.2015C>T, p.Ala672Val (NM_001323417.2); c.1781C>T, p.Ala594Val (NM_001323418.2); c.1484C>T, p.Ala495Val (NM_001323419.2); short protein forms A495V, A594V, A596V, A672V, A705V, A707V.
Identifiers: ClinVar variation 5041230 (VCV005041230.1).

ClinVar aggregate classification (germline): Uncertain significance (1 of 4 stars; one submission).

gnomAD v4.1: 10 of 1,613,832 alleles (0.00062%); highest among the groups gnomAD compares: African/African-American, 0.0053%; no homozygotes.

Submission:

CeGaT Center for Human Genetics Tuebingen
Classification: Uncertain significance. Last evaluated: 2026-09-01. Review status: criteria provided, single submitter. Criteria: CeGaT Center For Human Genetics Tuebingen Variant Classification Criteria Version 2. Collection method: clinical testing. Allele origin: germline. Affected: yes. Observed: 1 variant allele.
Comment: ALDH18A1: PM2, PM3:Supporting, PP3